The following is an entry in ClinVar:

ClinVar aggregate classification (germline): Uncertain significance (1 of 4 stars; one submission).

Allele frequency attached by ClinVar (database versions not stated): gnomAD exomes below 0.00001.
gnomAD v4.1: 3 of 1,614,094 alleles (0.00019%); highest among the groups gnomAD compares: Non-Finnish European, 0.00025%; no homozygotes.

Submission:

GeneDx
Classification: Uncertain significance. Last evaluated: 2019-08-16. Review status: criteria provided, single submitter. Criteria: GeneDx Variant Classification Process June 2021. Collection method: clinical testing. Allele origin: germline. Affected: yes.
Comment: Not observed in large population cohorts (Lek et al., 2016); In silico analysis, which includes protein predictors and evolutionary conservation, supports a deleterious effect; Has not been previously published as pathogenic or benign to our knowledge

NM_022455.5(NSD1):c.6443A>G (p.Asn2148Ser)

Gene: NSD1 (nuclear receptor binding SET domain protein 1; plus strand). Cytogenetic location: 5q35.3.
Variant type: single nucleotide variant.
Coding change: c.6443A>G on transcript NM_022455.5 (MANE Select); coding-DNA position 6443, A replaced by G.
Protein change: p.Asn2148Ser; replaces asparagine 2148 with serine.
Molecular consequence: missense variant.
Genome position (GRCh38, 1-based): chr5:177,292,138, A>G. VCF-style: chr5-177292138-A-G. GRCh37 (hg19) VCF-style: chr5-176719139-A-G.
Other names: c.5570A>G, p.Asn1857Ser (NM_001365684.2, NM_001409308.1, NM_172349.5); c.6443A>G, p.Asn2148Ser (NM_001409301.1, NM_001409302.1, NM_001409303.1); c.6023A>G, p.Asn2008Ser (NM_001409304.1); c.5690A>G, p.Asn1897Ser (NM_001409305.1); c.5681A>G, p.Asn1894Ser (NM_001409306.1, NM_001409307.1); c.5321A>G, p.Asn1774Ser (NM_001409309.1); short protein forms N1879S, N2148S, N1857S, N1897S, N2008S, N1774S, N1894S.
Identifiers: ClinVar variation 1307648 (VCV001307648.2), dbSNP rs2127276605, ClinGen allele CA362321082.